The following is an entry in ClinVar:

NM_001408.3(CELSR2):c.8572C>G (p.Leu2858Val)

Gene: CELSR2 (cadherin EGF LAG seven-pass G-type receptor 2; plus strand). Cytogenetic location: 1p13.3.
Variant type: single nucleotide variant.
Coding change: c.8572C>G on transcript NM_001408.3 (MANE Select); coding-DNA position 8572, C replaced by G.
Protein change: p.Leu2858Val; replaces leucine 2858 with valine.
Molecular consequence: missense variant.
Genome position (GRCh38, 1-based): chr1:109,273,498, C>G. VCF-style: chr1-109273498-C-G. GRCh37 (hg19) VCF-style: chr1-109816120-C-G.
Other names: short protein forms L2858V.
Identifiers: ClinVar variation 1717892 (VCV001717892.5), dbSNP rs760782123, ClinGen allele CA341525868.

ClinVar aggregate classification (germline): Uncertain significance (1 of 4 stars; one submission).

gnomAD v4.1: 1 of 1,611,162 alleles (0.000062%); highest among the groups gnomAD compares: Non-Finnish European, 0.000085%; no homozygotes.

Submission:

Labcorp Genetics (formerly Invitae), Labcorp
Classification: Uncertain significance. Last evaluated: 2022-09-14. Review status: criteria provided, single submitter. Criteria: Invitae Variant Classification Sherloc (09022015). Collection method: clinical testing. Allele origin: germline.
Comment: This sequence change replaces leucine, which is neutral and non-polar, with valine, which is neutral and non-polar, at codon 2858 of the CELSR2 protein (p.Leu2858Val). This variant is not present in population databases (gnomAD no frequency). This variant has not been reported in the literature in individuals affected with CELSR2-related conditions. Algorithms developed to predict the effect of missense changes on protein structure and function (SIFT, PolyPhen-2, Align-GVGD) all suggest that this variant is likely to be tolerated. In summary, the available evidence is currently insufficient to determine the role of this variant in disease. Therefore, it has been classified as a Variant of Uncertain Significance.